The following is an entry in ClinVar:

NM_001042492.3(NF1):c.5508del (p.Asp1837fs)

Gene: NF1 (neurofibromin 1; plus strand). Cytogenetic location: 17q11.2.
Variant type: Deletion.
Coding change: c.5508del on transcript NM_001042492.3 (MANE Select); coding-DNA position 5508, one base deleted (C; older notation c.5508delC).
Protein change: p.Asp1837fs; shifts the reading frame from aspartic acid 1837.
Molecular consequence: frameshift variant.
Genome position (GRCh38, 1-based): chr17:31,327,738, C deleted; the last of 3 consecutive C bases (chr17:31,327,736-31,327,738); deleting any one gives the same sequence. VCF-style (leftmost placement, unchanged base first): chr17-31327735-GC-G. GRCh37 (hg19) VCF-style: chr17-29654753-GC-G.
Other names: c.5445delC, p.Asp1816Thrfs (NM_000267.4); short protein forms D1816fs, D1837fs.
Identifiers: ClinVar variation 2102924 (VCV002102924.4), dbSNP rs2508707417, ClinGen allele CA2580093315.

ClinVar aggregate classification (germline): Pathogenic (1 of 4 stars; one submission).

Conditions:
Neurofibromatosis, type 1 (NF1). Also called: Peripheral type neurofibromatosis; NEUROFIBROMATOSIS, TYPE I, SOMATIC; VON RECKLINGHAUSEN DISEASE; Neurofibromatosis, type I. Identifiers: Orphanet 636, MedGen C0027831, MONDO:0018975, OMIM 162200. Disease mechanism: loss of function.

Submission:

Labcorp Genetics (formerly Invitae), Labcorp
Classification: Pathogenic for Neurofibromatosis, type 1. Last evaluated: 2022-02-24. Review status: criteria provided, single submitter. Criteria: Invitae Variant Classification Sherloc (09022015). Collection method: clinical testing. Allele origin: germline.
Comment: For these reasons, this variant has been classified as Pathogenic. This variant has not been reported in the literature in individuals affected with NF1-related conditions. This variant is not present in population databases (gnomAD no frequency). This sequence change creates a premature translational stop signal (p.Asp1816Thrfs*26) in the NF1 gene. It is expected to result in an absent or disrupted protein product. Loss-of-function variants in NF1 are known to be pathogenic (PMID: 10712197, 23913538).

Literature cited by the submitters: PubMed 10712197; PubMed 23913538.